The following is an entry in ClinVar:

NC_000015.10:g.73376690ACAGAGGCTGTG[2]

Genes: HCN4 (hyperpolarization activated cyclic nucleotide gated potassium channel 4; minus strand), LOC110121492 (VISTA enhancer hs2161; plus strand). Cytogenetic location: 15q24.1.
Variant type: Microsatellite.
Genome position: GRCh38 VCF-style: chr15-73376679-TAGAGGCTGTGAC-T. GRCh37 (hg19) VCF-style: chr15-73669020-TAGAGGCTGTGAC-T.
Identifiers: ClinVar variation 2645517 (VCV002645517.24), dbSNP rs1379735243, ClinGen allele CA619078913.

ClinVar aggregate classification (germline): Benign (1 of 4 stars; one submission).

Submission:

CeGaT Center for Human Genetics Tuebingen
Classification: Benign. Last evaluated: 2022-08-01. Review status: criteria provided, single submitter. Criteria: CeGaT Center For Human Genetics Tuebingen Variant Classification Criteria Version 2. Collection method: clinical testing. Allele origin: germline. Affected: yes. Observed: 1 variant allele.
Comment: HCN4: BS1, BS2